The following is an entry in ClinVar:

ClinVar aggregate classification (germline): Uncertain significance (1 of 4 stars; one submission).

Conditions:
Familial cold autoinflammatory syndrome 3 (FCAS3). Also called: FAMILIAL ATYPICAL COLD URTICARIA; ANTIBODY DEFICIENCY AND IMMUNE DYSREGULATION, PLCG2-ASSOCIATED. Identifiers: Orphanet 300359, MedGen C3280914, MONDO:0013766, OMIM 614468.

Allele frequency attached by ClinVar (database versions not stated): TOPMed below 0.00001.
gnomAD v4.1: 10 of 1,591,756 alleles (0.00063%); highest among the groups gnomAD compares: African/African-American, 0.0027%; no homozygotes.

Submission:

Labcorp Genetics (formerly Invitae), Labcorp
Classification: Uncertain significance for Familial cold autoinflammatory syndrome 3. Last evaluated: 2024-11-10. Review status: criteria provided, single submitter. Criteria: Invitae Variant Classification Sherloc (09022015). Collection method: clinical testing. Allele origin: germline.
Comment: This sequence change falls in intron 21 of the PLCG2 gene. It does not directly change the encoded amino acid sequence of the PLCG2 protein. It affects a nucleotide within the consensus splice site. This variant is present in population databases (rs769881279, gnomAD 0.007%). This variant has not been reported in the literature in individuals affected with PLCG2-related conditions. ClinVar contains an entry for this variant (Variation ID: 1986580). Variants that disrupt the consensus splice site are a relatively common cause of aberrant splicing (PMID: 17576681, 9536098). Algorithms developed to predict the effect of sequence changes on RNA splicing suggest that this variant may disrupt the consensus splice site. In summary, the available evidence is currently insufficient to determine the role of this variant in disease. Therefore, it has been classified as a Variant of Uncertain Significance.

Literature cited by the submitters: PubMed 17576681; PubMed 9536098.

NM_002661.5(PLCG2):c.2307+5G>A

Gene: PLCG2 (phospholipase C gamma 2; plus strand). Cytogenetic location: 16q23.3.
Variant type: single nucleotide variant.
Coding change: c.2307+5G>A on transcript NM_002661.5 (MANE Select); 5 bases into the intron after coding-DNA position 2307, G replaced by A.
Molecular consequence: intron variant.
Genome position (GRCh38, 1-based): chr16:81,921,274, G>A. VCF-style: chr16-81921274-G-A. GRCh37 (hg19) VCF-style: chr16-81954879-G-A.
Identifiers: ClinVar variation 1986580 (VCV001986580.4), dbSNP rs769881279, ClinGen allele CA8194166.